The following is an entry in ClinVar:

NM_000135.4(FANCA):c.916_917del (p.Thr306fs)

Gene: FANCA (FA complementation group A; minus strand). Cytogenetic location: 16q24.3.
Variant type: Microsatellite.
Coding change: c.916_917del on transcript NM_000135.4 (MANE Select); coding-DNA positions 916 to 917, 2 bases deleted (AC; older notation c.916_917delAC).
Protein change: p.Thr306fs; shifts the reading frame from threonine 306.
Molecular consequence: frameshift variant.
Genome position (GRCh38, 1-based): chr16:89,795,995-89,795,996, GT deleted on the plus strand (AC on the coding strand, the reverse complement: FANCA is on the minus strand); deleting any 2 consecutive bases within chr16:89,795,995-89,796,000 gives the same sequence; the c. name uses the placement nearest the transcript's 3' end. VCF-style (leftmost placement, unchanged base first): chr16-89795994-CGT-C. GRCh37 (hg19) VCF-style: chr16-89862402-CGT-C.
Other names: c.916_917delAC (NM_000135.3); c.916_917del, p.Thr306fs (NM_001286167.3); c.916_917del (NM_000135.2); short protein forms T306fs.
Identifiers: ClinVar variation 456141 (VCV000456141.21), dbSNP rs764122657, ClinGen allele CA8252628.

ClinVar aggregate classification (germline): Pathogenic/Likely pathogenic. Review status: criteria provided, multiple submitters, no conflicts (2 of 4 stars). 6 submissions from 6 submitters: Pathogenic (3); Likely pathogenic (1). 2 of the submissions do not count toward it. Last evaluated 2024-06-05.

Conditions:
Fanconi anemia (FA). Also called: Fanconi's anemia. Identifiers: Orphanet 84, MedGen C0015625, MeSH D005199, MONDO:0019391.
Fanconi anemia complementation group A (FANCA). Also called: Fanconi anemia, group A; FANCA-Related Fanconi Anemia. Identifiers: Orphanet 84, MedGen C3469521, MONDO:0009215, OMIM 227650.

Submissions (6):

Natera, Inc.
Classification: Pathogenic for Fanconi anemia. Last evaluated: 2024-06-05. Review status: criteria provided, single submitter. Criteria: Natera Variant Classification Schema (03/2026). Collection method: clinical testing. Allele origin: germline.
Comment: The c.916_917delAC variant in FANCA is a frameshift variant predicted to shift the reading frame beginning at codon 306 and leads to a stop codon 32 codons downstream. This variant is expected to result in nonsense mediated decay, truncation, or a dysfunctional protein product. This variant is rare in the general population with a frequency below the threshold expected for the associated phenotype(s). This variant has been observed in one or more individuals affected with the associated recessive disease, as either homozygous or compound heterozygous with a second variant (PMID: 29098742). Given the available evidence, this variant is classified as Pathogenic.

Baylor Genetics
Classification: Pathogenic for Fanconi anemia complementation group A. Last evaluated: 2024-01-01. Review status: criteria provided, single submitter. Criteria: ACMG Guidelines, 2015. Collection method: clinical testing. Allele origin: unknown.

Labcorp Genetics (formerly Invitae), Labcorp
Classification: Pathogenic for Fanconi anemia. Last evaluated: 2023-08-16. Review status: criteria provided, single submitter. Criteria: Invitae Variant Classification Sherloc (09022015). Collection method: clinical testing. Allele origin: germline.
Comment: This variant is present in population databases (rs764122657, gnomAD 0.002%). This sequence change creates a premature translational stop signal (p.Thr306Alafs*32) in the FANCA gene. It is expected to result in an absent or disrupted protein product. Loss-of-function variants in FANCA are known to be pathogenic (PMID: 19367192). This variant has not been reported in the literature in individuals affected with FANCA-related conditions. For these reasons, this variant has been classified as Pathogenic. ClinVar contains an entry for this variant (Variation ID: 456141).

Fulgent Genetics
Classification: Likely pathogenic for Fanconi anemia complementation group A. Last evaluated: 2022-05-19. Review status: criteria provided, single submitter. Criteria: ACMG Guidelines, 2015. Collection method: clinical testing. Allele origin: unknown.

Leiden Open Variation Database
Classification: Pathogenic for Fanconi anemia complementation group A. Last evaluated: 2020-02-28. Review status: no assertion criteria provided. Collection method: curation. Allele origin: germline. Affected: yes. Not counted in ClinVar's aggregate classification.
Comment: Curator: Arleen D. Auerbach. Submitter to LOVD: Sue Richards.

Counsyl
Classification: Likely pathogenic for Fanconi anemia complementation group A. Last evaluated: 2017-08-21. Review status: no assertion criteria provided. Collection method: clinical testing. Allele origin: unknown. Not counted in ClinVar's aggregate classification.

Literature cited by the submitters: PubMed 29098742 (cited by Natera, Inc.); PubMed 19367192 (cited by Labcorp Genetics (formerly Invitae), Labcorp).